The following is an entry in ClinVar:

NM_000059.4(BRCA2):c.6937+4A>C

Gene: BRCA2 (BRCA2 DNA repair associated; plus strand). Cytogenetic location: 13q13.1.
Variant type: single nucleotide variant.
Coding change: c.6937+4A>C on transcript NM_000059.4 (MANE Select); 4 bases into the intron after coding-DNA position 6937, A replaced by C.
Molecular consequence: intron variant.
Genome position (GRCh38, 1-based): chr13:32,344,657, A>C. VCF-style: chr13-32344657-A-C. GRCh37 (hg19) VCF-style: chr13-32918794-A-C.
Identifiers: ClinVar variation 1511057 (VCV001511057.6), dbSNP rs1566237018, ClinGen allele CA2573149200.

ClinVar aggregate classification (germline): Uncertain significance (1 of 4 stars; one submission).

Conditions:
Hereditary breast ovarian cancer syndrome. Also called: BRCA1- and BRCA2-Associated Hereditary Breast and Ovarian Cancer; Hereditary breast and ovarian cancer; Hereditary breast and/or ovarian cancer syndrome; Hereditary breast and ovarian cancer syndrome (HBOC); Breast and ovarian cancer; Hereditary breast and ovarian cancer syndrome. Identifiers: Orphanet 145, MedGen C0677776, MeSH D061325, MONDO:0003582. Disease mechanism: loss of function.

Submission:

Labcorp Genetics (formerly Invitae), Labcorp
Classification: Uncertain significance for Hereditary breast ovarian cancer syndrome. Last evaluated: 2022-11-08. Review status: criteria provided, single submitter. Criteria: Invitae Variant Classification Sherloc (09022015). Collection method: clinical testing. Allele origin: germline.
Comment: In summary, the available evidence is currently insufficient to determine the role of this variant in disease. Therefore, it has been classified as a Variant of Uncertain Significance. Variants that disrupt the consensus splice site are a relatively common cause of aberrant splicing (PMID: 17576681, 9536098). Algorithms developed to predict the effect of sequence changes on RNA splicing suggest that this variant may disrupt the consensus splice site. ClinVar contains an entry for this variant (Variation ID: 1511057). This variant has not been reported in the literature in individuals affected with BRCA2-related conditions. This variant is not present in population databases (gnomAD no frequency). This sequence change falls in intron 12 of the BRCA2 gene. It does not directly change the encoded amino acid sequence of the BRCA2 protein. It affects a nucleotide within the consensus splice site.

Literature cited by the submitters: PubMed 17576681; PubMed 9536098.